The following is an entry in ClinVar:

NM_031407.7(HUWE1):c.1363A>G (p.Ile455Val)

Gene: HUWE1 (HECT, UBA and WWE domain containing E3 ubiquitin protein ligase 1; minus strand). Cytogenetic location: Xp11.22.
Variant type: single nucleotide variant.
Coding change: c.1363A>G on transcript NM_031407.7 (MANE Select); coding-DNA position 1363, A replaced by G.
Protein change: p.Ile455Val; replaces isoleucine 455 with valine.
Molecular consequence: missense variant.
Genome position (GRCh38, 1-based): chrX:53,627,759, T>C on the plus strand (A>G on the coding strand, the complement: HUWE1 is on the minus strand). VCF-style: chrX-53627759-T-C. GRCh37 (hg19) VCF-style: chrX-53654710-T-C.
Other names: short protein forms I455V.
Identifiers: ClinVar variation 1336513 (VCV001336513.7), dbSNP rs1557019212, ClinGen allele CA413154686.

ClinVar aggregate classification (germline): Uncertain significance. Review status: criteria provided, multiple submitters, no conflicts (2 of 4 stars). 3 submissions from 3 submitters: Uncertain significance (3). Last evaluated 2026-09-10.

Conditions:
HUWE1-related disorder. Also called: HUWE1-related condition.

Allele frequency attached by ClinVar (database versions not stated): gnomAD exomes below 0.00001 and 0.00001; TOPMed below 0.00001.
gnomAD v4.1: 4 of 1,202,263 alleles (0.00033%); highest among the groups gnomAD compares: African/African-American, 0.0017%; no homozygotes.

Submissions (3):

PreventionGenetics, part of Exact Sciences
Classification: Uncertain significance for HUWE1-related condition. Last evaluated: 2026-09-10. Review status: criteria provided, single submitter. Criteria: ACMG Guidelines, 2015. Collection method: clinical testing. Allele origin: germline.
Comment: The HUWE1 c.1363A>G variant is predicted to result in the amino acid substitution p.Ile455Val. To our knowledge, this variant has not been reported in the literature. This variant is reported in 0.0076% of alleles in individuals of African descent in gnomAD. At this time, the clinical significance of this variant is uncertain due to the absence of conclusive functional and genetic evidence.

Labcorp Genetics (formerly Invitae), Labcorp
Classification: Uncertain significance. Last evaluated: 2024-08-13. Review status: criteria provided, single submitter. Criteria: Invitae Variant Classification Sherloc (09022015). Collection method: clinical testing. Allele origin: germline.
Comment: This sequence change replaces isoleucine, which is neutral and non-polar, with valine, which is neutral and non-polar, at codon 455 of the HUWE1 protein (p.Ile455Val). This variant is present in population databases (no rsID available, gnomAD 0.008%). This variant has not been reported in the literature in individuals affected with HUWE1-related conditions. ClinVar contains an entry for this variant (Variation ID: 1336513). Invitae Evidence Modeling of protein sequence and biophysical properties (such as structural, functional, and spatial information, amino acid conservation, physicochemical variation, residue mobility, and thermodynamic stability) has been performed for this missense variant. However, the output from this modeling did not meet the statistical confidence thresholds required to predict the impact of this variant on HUWE1 protein function. In summary, the available evidence is currently insufficient to determine the role of this variant in disease. Therefore, it has been classified as a Variant of Uncertain Significance.

Genetic Services Laboratory, University of Chicago
Classification: Uncertain significance. Last evaluated: 2018-01-31. Review status: criteria provided, single submitter. Criteria: ACMG Guidelines, 2015. Collection method: clinical testing. Allele origin: germline. Affected: no.